The following is an entry in ClinVar:

ClinVar aggregate classification (germline): Likely benign (0 of 4 stars; one submission).

Conditions:
DMXL1-related disorder. Also called: DMXL1-related condition.

Allele frequency attached by ClinVar (database versions not stated): gnomAD exomes 0.00002; gnomAD 0.00004; ExAC 0.00005; TOPMed 0.00005; ESP Exome Variant Server 0.00008.
gnomAD v4.1: 47 of 1,612,946 alleles (0.0029%); highest among the groups gnomAD compares: East Asian, 0.0045%; no homozygotes.

Submission:

PreventionGenetics, part of Exact Sciences
Classification: Likely benign for DMXL1-related condition. Last evaluated: 2019-03-28. Review status: no assertion criteria provided. Collection method: clinical testing. Allele origin: germline.
Comment: This variant is classified as likely benign based on ACMG/AMP sequence variant interpretation guidelines (Richards et al. 2015 PMID: 25741868, with internal and published modifications).

NM_001290321.3(DMXL1):c.7347A>G (p.Glu2449=)

Gene: DMXL1 (Dmx like 1; plus strand). Cytogenetic location: 5q23.1.
Variant type: single nucleotide variant.
Coding change: c.7347A>G on transcript NM_001290321.3 (MANE Select); coding-DNA position 7347, A replaced by G.
Protein change: p.Glu2449=; no amino-acid change (glutamic acid 2449 retained).
Molecular consequence: synonymous variant. On other transcripts: non-coding transcript variant (3).
Genome position (GRCh38, 1-based): chr5:119,193,860, A>G. VCF-style: chr5-119193860-A-G. GRCh37 (hg19) VCF-style: chr5-118529555-A-G.
Other names: c.7347A>G, p.Glu2449= (NM_001349239.2, NM_001349240.2, NM_001387933.1 and 1 more transcripts); c.7155A>G, p.Glu2385= (NM_001387934.1); c.6642A>G, p.Glu2214= (NM_001387937.1); c.6360A>G, p.Glu2120= (NM_001387938.1).
Identifiers: ClinVar variation 3057297 (VCV003057297.2), dbSNP rs148789484, ClinGen allele CA3380835.